The following is an entry in ClinVar:

NM_053025.4(MYLK):c.1885C>T (p.Leu629Phe)

Gene: MYLK (myosin light chain kinase; minus strand). Cytogenetic location: 3q21.1.
Variant type: single nucleotide variant.
Coding change: c.1885C>T on transcript NM_053025.4 (MANE Select); coding-DNA position 1885, C replaced by T.
Protein change: p.Leu629Phe; replaces leucine 629 with phenylalanine.
Molecular consequence: missense variant.
Genome position (GRCh38, 1-based): chr3:123,709,813, G>A on the plus strand (C>T on the coding strand, the complement: MYLK is on the minus strand). VCF-style: chr3-123709813-G-A. GRCh37 (hg19) VCF-style: chr3-123428660-G-A.
Other names: c.1357C>T, p.Leu453Phe (NM_001321309.2); c.1678C>T, p.Leu560Phe (NM_053026.4, NM_053028.4); c.1885C>T, p.Leu629Phe (NM_053027.4); short protein forms L560F, L629F, L453F.
Identifiers: ClinVar variation 2567262 (VCV002567262.4), dbSNP rs1249721390, ClinGen allele CA354234752.

ClinVar aggregate classification (germline): Uncertain significance. Review status: criteria provided, multiple submitters, no conflicts (2 of 4 stars). 2 submissions from 2 submitters: Uncertain significance (2). Last evaluated 2025-08-03.

Conditions:
Familial thoracic aortic aneurysm and aortic dissection (TAAD). Also called: Thoracic aortic aneurysms and dissections. Identifiers: Orphanet 91387, MedGen C4707243, MONDO:0019625.

Allele frequency attached by ClinVar (database versions not stated): gnomAD 0.00001.
gnomAD v4.1: 2 of 1,614,090 alleles (0.00012%); highest among the groups gnomAD compares: Non-Finnish European, 0.00017%; no homozygotes.

Submissions (2):

Ambry Genetics
Classification: Uncertain significance for Familial thoracic aortic aneurysm and aortic dissection. Last evaluated: 2025-08-03. Review status: criteria provided, single submitter. Criteria: Ambry Variant Classification Scheme 2023. Collection method: clinical testing. Allele origin: germline.
Comment: The p.L629F variant (also known as c.1885C>T), located in coding exon 11 of the MYLK gene, results from a C to T substitution at nucleotide position 1885. The leucine at codon 629 is replaced by phenylalanine, an amino acid with highly similar properties. This amino acid position is conserved. In addition, this alteration is predicted to be tolerated by in silico analysis. Since supporting evidence is limited at this time, the clinical significance of this alteration remains unclear.

Blueprint Genetics
Classification: Uncertain significance. Last evaluated: 2022-09-28. Review status: criteria provided, single submitter. Criteria: ACMG Guidelines, 2015. Collection method: clinical testing. Allele origin: germline.